The following is an entry in ClinVar:

NM_001267550.2(TTN):c.49476T>C (p.Pro16492=)

Genes: TTN-AS1 (TTN antisense RNA 1; plus strand), TTN (titin; minus strand). Cytogenetic location: 2q31.2.
Variant type: single nucleotide variant.
Coding change: c.49476T>C on transcript NM_001267550.2 (MANE Select); coding-DNA position 49476, T replaced by C.
Protein change: p.Pro16492=; no amino-acid change (proline 16492 retained).
Molecular consequence: synonymous variant.
Genome position (GRCh38, 1-based): chr2:178,613,807, A>G on the plus strand (T>C on the coding strand, the complement: TTN is on the minus strand). VCF-style: chr2-178613807-A-G. GRCh37 (hg19) VCF-style: chr2-179478534-A-G.
Other names: c.44553T>C, p.Pro14851= (NM_001256850.1); c.22281T>C, p.Pro7427= (NM_003319.4); c.41772T>C, p.Pro13924= (NM_133378.4); c.22656T>C, p.Pro7552= (NM_133432.3); c.22857T>C, p.Pro7619= (NM_133437.4).
Identifiers: ClinVar variation 704298 (VCV000704298.15), dbSNP rs180961450, ClinGen allele CA1994593.

ClinVar aggregate classification (germline): Likely benign. Review status: criteria provided, multiple submitters, no conflicts (2 of 4 stars). 4 submissions from 4 submitters: Likely benign (4). Last evaluated 2026-01-14.

Conditions:
TTN-related disorder. Also called: TTN-related condition; TTN-related disease; TTN-related disorders.
Cardiovascular phenotype. Identifiers: MedGen CN230736.
Cardiomyopathy (CMYO). Also called: Cardiomyopathies. Identifiers: Orphanet 167848, MedGen C0878544, MONDO:0004994, HP:0001638. Inheritance: Various modes of inheritance.
Autosomal recessive limb-girdle muscular dystrophy type 2J (LGMDR10). Also called: Limb-girdle muscular dystrophy, type 2J; MUSCULAR DYSTROPHY, LIMB-GIRDLE, AUTOSOMAL RECESSIVE 10. Identifiers: Orphanet 140922, MedGen C1837342, MONDO:0012127, OMIM 608807.
Dilated cardiomyopathy 1G (CMD1G). Identifiers: Orphanet 154, MedGen C1858763, MONDO:0011400, OMIM 604145.

Allele frequency attached by ClinVar (database versions not stated): gnomAD exomes 0.00001 and 0.00002; ExAC 0.00002; gnomAD 0.00006; TOPMed 0.00006; 1000 Genomes Project 30x 0.00016; 1000 Genomes Project 0.00020.
gnomAD v4.1: 43 of 1,612,656 alleles (0.0027%); highest among the groups gnomAD compares: African/African-American, 0.033%; no homozygotes.

Submissions (4):

Labcorp Genetics (formerly Invitae), Labcorp
Classification: Likely benign for Dilated cardiomyopathy 1G; Autosomal recessive limb-girdle muscular dystrophy type 2J. Last evaluated: 2026-01-14. Review status: criteria provided, single submitter. Criteria: Invitae Variant Classification Sherloc (09022015). Collection method: clinical testing. Allele origin: germline.

PreventionGenetics, part of Exact Sciences
Classification: Likely benign for TTN-related condition. Last evaluated: 2025-03-10. Review status: criteria provided, single submitter. Criteria: ACMG Guidelines, 2015. Collection method: clinical testing. Allele origin: germline.
Comment: This variant is classified as likely benign based on ACMG/AMP sequence variant interpretation guidelines (Richards et al. 2015 PMID: 25741868, with internal and published modifications).

Ambry Genetics
Classification: Likely benign for Cardiovascular phenotype. Last evaluated: 2021-10-06. Review status: criteria provided, single submitter. Criteria: Ambry Variant Classification Scheme 2023. Collection method: clinical testing. Allele origin: germline.

CHEO Genetics Diagnostic Laboratory, Children's Hospital of Eastern Ontario
Classification: Likely benign for Cardiomyopathy. Last evaluated: 2020-06-25. Review status: criteria provided, single submitter. Criteria: ACMG Guidelines, 2015. Collection method: clinical testing. Allele origin: germline.